The following is an entry in ClinVar:

ClinVar aggregate classification (germline): Uncertain significance. Review status: criteria provided, multiple submitters, no conflicts (2 of 4 stars). 2 submissions from 2 submitters: Uncertain significance (2). Last evaluated 2026-06-08.

Conditions:
ABCG8-related disorder. Also called: ABCG8-related condition.
Cardiovascular phenotype. Identifiers: MedGen CN230736.

Allele frequency attached by ClinVar (database versions not stated): gnomAD 0.00001; TOPMed 0.00001.

Submissions (2):

PreventionGenetics, part of Exact Sciences
Classification: Uncertain significance for ABCG8-related condition. Last evaluated: 2026-06-08. Review status: criteria provided, single submitter. Criteria: ACMG Guidelines, 2015. Collection method: clinical testing. Allele origin: germline.
Comment: The ABCG8 c.1243C>T variant is predicted to result in the amino acid substitution p.Pro415Ser. To our knowledge, this variant has not been reported in the literature. This variant is reported in 0.0099% of alleles in individuals of Ashkenazi Jewish descent in gnomAD. At this time, the clinical significance of this variant is uncertain due to the absence of conclusive functional and genetic evidence.

Ambry Genetics
Classification: Uncertain significance for Cardiovascular phenotype. Last evaluated: 2025-10-01. Review status: criteria provided, single submitter. Criteria: Ambry Variant Classification Scheme 2023. Collection method: clinical testing. Allele origin: germline.
Comment: The p.P415S variant (also known as c.1243C>T), located in coding exon 9 of the ABCG8 gene, results from a C to T substitution at nucleotide position 1243. The proline at codon 415 is replaced by serine, an amino acid with similar properties. This amino acid position is conserved. In addition, this alteration is predicted to be tolerated by in silico analysis. Since supporting evidence is limited at this time, the clinical significance of this alteration remains unclear.

NM_022437.3(ABCG8):c.1243C>T (p.Pro415Ser)

Gene: ABCG8 (ATP binding cassette subfamily G member 8; plus strand). Cytogenetic location: 2p21.
Variant type: single nucleotide variant.
Coding change: c.1243C>T on transcript NM_022437.3 (MANE Select); coding-DNA position 1243, C replaced by T.
Protein change: p.Pro415Ser; replaces proline 415 with serine.
Molecular consequence: missense variant.
Genome position (GRCh38, 1-based): chr2:43,873,818, C>T. VCF-style: chr2-43873818-C-T. GRCh37 (hg19) VCF-style: chr2-44100957-C-T.
Other names: c.1240C>T, p.Pro414Ser (NM_001357321.2); short protein forms P414S, P415S.
Identifiers: ClinVar variation 1758860 (VCV001758860.4), dbSNP rs1016969802, ClinGen allele CA46468156.